The following is an entry in ClinVar:

ClinVar aggregate classification (germline): Conflicting classifications of pathogenicity. Review status: criteria provided, conflicting classifications (1 of 4 stars). 18 submissions from 18 submitters: Uncertain significance (3); Benign (6); Likely benign (4). 5 of the submissions do not count toward it. Last evaluated 2026-09-01.

Conditions:
KIF1A-related disorder. Also called: KIF1A-related disorders; KIF1A-related condition.
Inborn genetic diseases. Identifiers: MedGen C0950123, MeSH D030342.
Neuropathy, hereditary sensory, type 2C. Also called: Hereditary sensory and autonomic neuropathy type IIC; KIF1A-Related HSAN2 (HSAN2C). Identifiers: Orphanet 970, MedGen C3280168, MONDO:0013634, OMIM 614213.
Intellectual disability, autosomal dominant 9 (NESCAVS). Also called: NESCAV SYNDROME; KIF1A-Related Neurodevelopmental Disorder. Identifiers: Orphanet 662367, MedGen C5393830, MONDO:0013656, OMIM 614255.
Hereditary spastic paraplegia 30. Identifiers: Orphanet 101010, MedGen C5235139, MONDO:0012476.
Hereditary spastic paraplegia. Also called: Familial spastic paraparesis. Identifiers: Orphanet 685, MedGen C0037773, MONDO:0019064. Disease mechanism: loss of function.

Allele frequency attached by ClinVar (database versions not stated): 1000 Genomes Project 30x 0.00078; 1000 Genomes Project 0.00100; ESP Exome Variant Server 0.00112; TOPMed 0.00189; gnomAD 0.00214.
gnomAD v4.1: 4,323 of 1,612,776 alleles (0.27%); highest among the groups gnomAD compares: Non-Finnish European, 0.32%; 13 homozygotes.

Submissions (18):

CeGaT Center for Human Genetics Tuebingen
Classification: Likely benign. Last evaluated: 2026-09-01. Review status: criteria provided, single submitter. Criteria: CeGaT Center For Human Genetics Tuebingen Variant Classification Criteria Version 2. Collection method: clinical testing. Allele origin: germline. Affected: yes. Observed: 24 variant alleles.
Comment: KIF1A: BP4, BP7

Labcorp Genetics (formerly Invitae), Labcorp
Classification: Benign for Hereditary spastic paraplegia 30; Neuropathy, hereditary sensory, type 2C; Intellectual disability, autosomal dominant 9. Last evaluated: 2026-02-02. Review status: criteria provided, single submitter. Criteria: Invitae Variant Classification Sherloc (09022015). Collection method: clinical testing. Allele origin: germline.

ARUP Laboratories, Molecular Genetics and Genomics, ARUP Laboratories
Classification: Benign. Last evaluated: 2025-04-16. Review status: criteria provided, single submitter. Criteria: ARUP Molecular Germline Variant Investigation Process 2024. Collection method: clinical testing. Allele origin: germline.

Mayo Clinic Laboratories, Mayo Clinic
Classification: Benign. Last evaluated: 2024-12-10. Review status: criteria provided, single submitter. Criteria: ACMG Guidelines, 2015. Collection method: clinical testing. Allele origin: germline. Observed: 11 variant alleles.
Comment: BS1, BS2, BP4, BP7

Women's Health and Genetics/Laboratory Corporation of America, LabCorp
Classification: Benign. Last evaluated: 2024-12-03. Review status: criteria provided, single submitter. Criteria: LabCorp Variant Classification Summary - May 2015. Collection method: clinical testing. Allele origin: germline.

Blueprint Genetics
Classification: Likely benign. Last evaluated: 2024-11-26. Review status: criteria provided, single submitter. Criteria: ACMG Guidelines, 2015. Collection method: clinical testing. Allele origin: germline.

Athena Diagnostics
Classification: Benign. Last evaluated: 2024-03-01. Review status: criteria provided, single submitter. Criteria: Athena Diagnostics Criteria. Collection method: clinical testing. Allele origin: unknown.

Genome Diagnostics Laboratory, The Hospital for Sick Children
Classification: Likely benign for Hereditary spastic paraplegia. Last evaluated: 2021-09-01. Review status: criteria provided, single submitter. Criteria: ACMG Guidelines, 2015. Collection method: clinical testing. Allele origin: germline. Affected: yes.

Illumina Laboratory Services, Illumina
Classification: Uncertain significance for Spastic paraplegia 30A, autosomal dominant. Last evaluated: 2018-01-12. Review status: criteria provided, single submitter. Criteria: ICSL Variant Classification Criteria 13 December 2019. Collection method: clinical testing. Allele origin: germline.

Eurofins Ntd Llc (ga)
Classification: Uncertain significance. Last evaluated: 2017-03-08. Review status: criteria provided, single submitter. Criteria: EGL Classification Definitions 2015. Collection method: clinical testing. Allele origin: germline. Observed: 1 variant allele, 1 heterozygote.

Ambry Genetics
Classification: Likely benign for Inborn genetic diseases. Last evaluated: 2016-12-03. Review status: criteria provided, single submitter. Criteria: Ambry Variant Classification Scheme 2023. Collection method: clinical testing. Allele origin: germline.

GeneDx
Classification: Benign. Last evaluated: 2015-04-11. Review status: criteria provided, single submitter. Criteria: GeneDx Variant Classification (06012015). Collection method: clinical testing. Allele origin: germline. Affected: yes.
Comment: This variant is considered likely benign or benign based on one or more of the following criteria: it is a conservative change, it occurs at a poorly conserved position in the protein, it is predicted to be benign by multiple in silico algorithms, and/or has population frequency not consistent with disease.

Genetic Services Laboratory, University of Chicago
Classification: Uncertain significance. Last evaluated: 2014-12-17. Review status: criteria provided, single submitter. Criteria: ACMG Guidelines, 2015. Collection method: clinical testing. Allele origin: germline.

PreventionGenetics, part of Exact Sciences
Classification: Likely benign for KIF1A-related condition. Last evaluated: 2019-09-11. Review status: no assertion criteria provided. Collection method: clinical testing. Allele origin: germline. Not counted in ClinVar's aggregate classification.
Comment: This variant is classified as likely benign based on ACMG/AMP sequence variant interpretation guidelines (Richards et al. 2015 PMID: 25741868, with internal and published modifications).

Clinical Genetics DNA and cytogenetics Diagnostics Lab, Erasmus MC, Erasmus Medical Center
Classification: Likely benign. Review status: no assertion criteria provided. Collection method: clinical testing. Allele origin: germline. Affected: yes. Study: VKGL Data-share Consensus. Not counted in ClinVar's aggregate classification.

Clinical Genetics, Academic Medical Center
Classification: Benign. Review status: no assertion criteria provided. Collection method: clinical testing. Allele origin: germline. Affected: yes. Study: VKGL Data-share Consensus. Not counted in ClinVar's aggregate classification.

Diagnostic Laboratory, Department of Genetics, University Medical Center Groningen
Classification: Likely benign. Review status: no assertion criteria provided. Collection method: clinical testing. Allele origin: germline. Affected: yes. Study: VKGL Data-share Consensus. Not counted in ClinVar's aggregate classification.

Genome Diagnostics Laboratory, University Medical Center Utrecht
Classification: Likely benign. Review status: no assertion criteria provided. Collection method: clinical testing. Allele origin: germline. Affected: yes. Study: VKGL Data-share Consensus. Not counted in ClinVar's aggregate classification.

Literature cited by the submitters: PubMed 32343762 (cited by Athena Diagnostics).

NM_001244008.2(KIF1A):c.3345C>G (p.Ala1115=)

Gene: KIF1A (kinesin family member 1A; minus strand). Cytogenetic location: 2q37.3.
Variant type: single nucleotide variant.
Coding change: c.3345C>G on transcript NM_001244008.2 (MANE Select); coding-DNA position 3345, C replaced by G.
Protein change: p.Ala1115=; no amino-acid change (alanine 1115 retained).
Molecular consequence: synonymous variant.
Genome position (GRCh38, 1-based): chr2:240,745,767, G>C on the plus strand (C>G on the coding strand, the complement: KIF1A is on the minus strand). VCF-style: chr2-240745767-G-C. GRCh37 (hg19) VCF-style: chr2-241685184-G-C.
Other names: p.Ala1014=; c.3069C>G, p.Ala1023= (NM_001320705.2, NM_001330289.2, NM_001379638.1); c.3144C>G, p.Ala1048= (NM_001330290.2, NM_001379634.1, NM_001379635.1 and 1 more transcripts); c.3420C>G, p.Ala1140= (NM_001379631.1); c.3294C>G, p.Ala1098= (NM_001379632.1); c.3318C>G, p.Ala1106= (NM_001379633.1, NM_001379642.1, NM_001379645.1); c.3042C>G, p.Ala1014= (NM_001379636.1, NM_001379639.1, NM_001379641.1 and 5 more transcripts); c.3117C>G, p.Ala1039= (NM_001379637.1, NM_001379648.1); and 2 more.
Identifiers: ClinVar variation 211284 (VCV000211284.81), dbSNP rs370286749, ClinGen allele CA205590.
Genomic context (GRCh38, chr2:240,745,767, plus strand): 5'-GCGCAGGGACACAAAGGCAGCAGGGCCTCACTTGAACTGGCAGAAGATGTCGGCATATTC[G>C]GCAGAGATGCTGGACGCCTGCAGGACTGTCACACGGAAGGTGAAGGTGTTGCCCAGGCGG-3'
Protein context (NP_001230937.1, residues 1105-1125): VTVLQASSIS[Ala1115=]EYADIFCQFN